The following is an entry in ClinVar:

NM_021813.4(BACH2):c.2240C>T (p.Ala747Val)

Gene: BACH2 (BACH transcriptional regulator 2; minus strand). Cytogenetic location: 6q15.
Variant type: single nucleotide variant.
Coding change: c.2240C>T on transcript NM_021813.4 (MANE Select); coding-DNA position 2240, C replaced by T.
Protein change: p.Ala747Val; replaces alanine 747 with valine.
Molecular consequence: missense variant.
Genome position (GRCh38, 1-based): chr6:89,932,694, G>A on the plus strand (C>T on the coding strand, the complement: BACH2 is on the minus strand). VCF-style: chr6-89932694-G-A. GRCh37 (hg19) VCF-style: chr6-90642413-G-A.
Other names: c.2240C>T, p.Ala747Val (NM_001170794.2); c.2240C>T (NM_021813.2); short protein forms A747V.
Identifiers: ClinVar variation 1384696 (VCV001384696.9), dbSNP rs140270440, ClinGen allele CA3927839.

ClinVar aggregate classification (germline): Uncertain significance. Review status: criteria provided, multiple submitters, no conflicts (2 of 4 stars). 2 submissions from 2 submitters: Uncertain significance (2). Last evaluated 2026-01-25.

Allele frequency attached by ClinVar (database versions not stated): ExAC 0.00005; gnomAD exomes 0.00005; gnomAD 0.00010 and 0.00011; TOPMed 0.00013; ESP Exome Variant Server 0.00023.
gnomAD v4.1: 65 of 1,614,052 alleles (0.004%); highest among the groups gnomAD compares: African/African-American, 0.017%; no homozygotes.

Submissions (2):

Labcorp Genetics (formerly Invitae), Labcorp
Classification: Uncertain significance. Last evaluated: 2026-01-25. Review status: criteria provided, single submitter. Criteria: Invitae Variant Classification Sherloc (09022015). Collection method: clinical testing. Allele origin: germline.
Comment: This sequence change replaces alanine, which is neutral and non-polar, with valine, which is neutral and non-polar, at codon 747 of the BACH2 protein (p.Ala747Val). This variant is present in population databases (rs140270440, gnomAD 0.02%). This variant has not been reported in the literature in individuals affected with BACH2-related conditions. ClinVar contains an entry for this variant (Variation ID: 1384696). Invitae Evidence Modeling of protein sequence and biophysical properties (such as structural, functional, and spatial information, amino acid conservation, physicochemical variation, residue mobility, and thermodynamic stability) indicates that this missense variant is not expected to disrupt BACH2 protein function with a negative predictive value of 80%. In summary, the available evidence is currently insufficient to determine the role of this variant in disease. Therefore, it has been classified as a Variant of Uncertain Significance.

Ambry Genetics
Classification: Uncertain significance. Last evaluated: 2023-02-15. Review status: criteria provided, single submitter. Criteria: Ambry Variant Classification Scheme 2023. Collection method: clinical testing. Allele origin: germline.